The following is an entry in ClinVar:

ClinVar aggregate classification (germline): Conflicting classifications of pathogenicity. Review status: criteria provided, conflicting classifications (1 of 4 stars). 5 submissions from 5 submitters: Uncertain significance (1); Likely benign (4). Last evaluated 2026-02-01.

Conditions:
Combined immunodeficiency due to STK4 deficiency (IMD110). Also called: STK4 DEFICIENCY; MST1 DEFICIENCY; T-cell immunodeficiency, recurrent infections, and autoimmunity with or without cardiac malformations. Identifiers: Orphanet 314689, MedGen C3553943, MONDO:0013934, OMIM 614868.

Allele frequency attached by ClinVar (database versions not stated): 1000 Genomes Project 30x 0.00047; 1000 Genomes Project 0.00060; TOPMed 0.00071; ESP Exome Variant Server 0.00085; gnomAD 0.00114 and 0.00119; gnomAD exomes 0.00123; ExAC 0.00129.
gnomAD v4.1: 2,608 of 1,614,190 alleles (0.16%); highest among the groups gnomAD compares: Non-Finnish European, 0.18%; 4 homozygotes.

Submissions (5):

Labcorp Genetics (formerly Invitae), Labcorp
Classification: Likely benign for Combined immunodeficiency due to STK4 deficiency. Last evaluated: 2026-02-01. Review status: criteria provided, single submitter. Criteria: Invitae Variant Classification Sherloc (09022015). Collection method: clinical testing. Allele origin: germline.

Blueprint Genetics
Classification: Likely benign. Last evaluated: 2024-11-14. Review status: criteria provided, single submitter. Criteria: ACMG Guidelines, 2015. Collection method: clinical testing. Allele origin: germline.

Duke University Health System Sequencing Clinic, Duke University Health System
Classification: Likely benign for Combined immunodeficiency due to STK4 deficiency. Last evaluated: 2023-04-20. Review status: criteria provided, single submitter. Criteria: ACMG Guidelines, 2015. Collection method: research. Allele origin: maternal. Affected: yes.

Center for Genomics, Ann and Robert H. Lurie Children's Hospital of Chicago
Classification: Uncertain significance for Combined immunodeficiency due to STK4 deficiency. Last evaluated: 2022-10-28. Review status: criteria provided, single submitter. Criteria: ACMG Guidelines, 2015. Collection method: clinical testing. Allele origin: germline.
Comment: This variant has not been reported in the literature but is present in the Genome Aggregation Database (Highest reported MAF 0.5% (54/10622). This variant is present in ClinVar (Variation ID:721197). Evolutionary conservation suggests that this variant may impact the protein; computational predictive tools suggest that this variant may not impact the protein. In summary, data on this variant is insufficient for disease classification. Therefore, the clinical significance of this variant is uncertain.

Breakthrough Genomics
Classification: Likely benign. Review status: criteria provided, single submitter. Criteria: ACMG Guidelines, 2015. Collection method: not provided. Allele origin: germline. Inheritance: Unknown mechanism. Affected: yes.

NM_006282.5(STK4):c.1057A>G (p.Thr353Ala)

Gene: STK4 (serine/threonine kinase 4; plus strand). Cytogenetic location: 20q13.12.
Variant type: single nucleotide variant.
Coding change: c.1057A>G on transcript NM_006282.5 (MANE Select); coding-DNA position 1057, A replaced by G.
Protein change: p.Thr353Ala; replaces threonine 353 with alanine.
Molecular consequence: missense variant.
Genome position (GRCh38, 1-based): chr20:45,001,263, A>G. VCF-style: chr20-45001263-A-G. GRCh37 (hg19) VCF-style: chr20-43629904-A-G.
Other names: c.1057A>G, p.Thr353Ala (NM_001352385.2); short protein forms T353A.
Identifiers: ClinVar variation 721197 (VCV000721197.15), dbSNP rs140089638, ClinGen allele CA9873968.
Genomic context (GRCh38, chr20:45,001,263, plus strand): 5'-GCAGTGGGTGATGAGATGGGCACTGTCCGAGTAGCCAGCACCATGACTGATGGAGCCAAT[A>G]CTATGATTGAGCACGATGACACGTTGCCATCACAACTGGGCACCATGGTGATCAATGCAG-3'
Protein context (NP_006273.1, residues 343-363): VASTMTDGAN[Thr353Ala]MIEHDDTLPS